The following is an entry in ClinVar:

NM_017780.4(CHD7):c.8954A>G (p.Asp2985Gly)

Gene: CHD7 (chromodomain helicase DNA binding protein 7; plus strand). Cytogenetic location: 8q12.2.
Variant type: single nucleotide variant.
Coding change: c.8954A>G on transcript NM_017780.4 (MANE Select); coding-DNA position 8954, A replaced by G.
Protein change: p.Asp2985Gly; replaces aspartic acid 2985 with glycine.
Molecular consequence: missense variant.
Genome position (GRCh38, 1-based): chr8:60,865,893, A>G. VCF-style: chr8-60865893-A-G. GRCh37 (hg19) VCF-style: chr8-61778452-A-G.
Other names: c.2807A>G, p.Asp936Gly (NM_001316690.1); short protein forms D2985G, D936G.
Identifiers: ClinVar variation 588525 (VCV000588525.13), dbSNP rs1308226776, ClinGen allele CA371313447.

ClinVar aggregate classification (germline): Conflicting classifications of pathogenicity. Review status: criteria provided, conflicting classifications (1 of 4 stars). 2 submissions from 2 submitters: Uncertain significance (1); Likely benign (1). Last evaluated 2023-12-11.

Conditions:
CHARGE syndrome (CHARGE). Also called: Coloboma, heart anomaly, choanal atresia, retardation, genital and ear anomalies; CHARGE association; Hall-Hittner syndrome; Hittner Hirsch Kreh syndrome; CHARGE ASSOCIATION--COLOBOMA, HEART ANOMALY, CHOANAL ATRESIA, RETARDATION, GENITAL AND EAR ANOMALIES. Identifiers: Orphanet 138, MedGen C0265354, MONDO:0008965.
Inborn genetic diseases. Identifiers: MedGen C0950123, MeSH D030342.

Allele frequency attached by ClinVar (database versions not stated): gnomAD exomes below 0.00001; gnomAD 0.00001; TOPMed 0.00002.
gnomAD v4.1: 3 of 1,609,316 alleles (0.00019%); highest among the groups gnomAD compares: Non-Finnish European, 0.00025%; no homozygotes.

Submissions (2):

Labcorp Genetics (formerly Invitae), Labcorp
Classification: Likely benign for CHARGE syndrome. Last evaluated: 2023-12-11. Review status: criteria provided, single submitter. Criteria: Invitae Variant Classification Sherloc (09022015). Collection method: clinical testing. Allele origin: germline.

Ambry Genetics
Classification: Uncertain significance for Inborn genetic diseases. Last evaluated: 2016-12-08. Review status: criteria provided, single submitter. Criteria: Ambry Variant Classification Scheme 2023. Collection method: clinical testing. Allele origin: germline.
Comment: The p.D2985G variant (also known as c.8954A>G), located in coding exon 37 of the CHD7 gene, results from an A to G substitution at nucleotide position 8954. The aspartic acid at codon 2985 is replaced by glycine, an amino acid with similar properties. This amino acid position is not well conserved in available vertebrate species. In addition, this alteration is predicted to be tolerated by in silico analysis. Since supporting evidence is limited at this time, the clinical significance of this variant remains unclear.